The following is an entry in ClinVar:

NM_001267550.2(TTN):c.86857A>G (p.Ser28953Gly)

Genes: TTN (titin; minus strand), TTN-AS1 (TTN antisense RNA 1; plus strand). Cytogenetic location: 2q31.2.
Variant type: single nucleotide variant.
Coding change: c.86857A>G on transcript NM_001267550.2 (MANE Select); coding-DNA position 86857, A replaced by G.
Protein change: p.Ser28953Gly; replaces serine 28953 with glycine.
Molecular consequence: missense variant.
Genome position (GRCh38, 1-based): chr2:178,558,602, T>C on the plus strand (A>G on the coding strand, the complement: TTN is on the minus strand). VCF-style: chr2-178558602-T-C. GRCh37 (hg19) VCF-style: chr2-179423329-T-C.
Other names: c.81934A>G, p.Ser27312Gly (NM_001256850.1); c.59662A>G, p.Ser19888Gly (NM_003319.4); c.79153A>G, p.Ser26385Gly (NM_133378.4); c.60037A>G, p.Ser20013Gly (NM_133432.3); c.60238A>G, p.Ser20080Gly (NM_133437.4); short protein forms S27312G, S28953G, S26385G, S19888G, S20013G, S20080G.
Identifiers: ClinVar variation 509739 (VCV000509739.1), dbSNP rs748750008, ClinGen allele CA1988417.
Genomic context (GRCh38, chr2:178,558,602, plus strand): 5'-TGCTTCCGCCATCATGTTCAGGCTTCAGCCAGGTCAGGGAAACACTGTCTTTGGATATAC[T>C]TGTTACTCCAAGTTTTTCAGGTGGGCTTGGTTTTTCTAAGAAAACAAAGCATCAAAAGAA-3'
Protein context (NP_001254479.2, residues 28943-28963): PSPPEKLGVT[Ser28953Gly]ISKDSVSLTW

ClinVar aggregate classification (germline): Likely benign (1 of 4 stars; one submission).

Allele frequency attached by ClinVar (database versions not stated): gnomAD 0.00001.
gnomAD v4.1: 3 of 1,612,652 alleles (0.00019%); highest among the groups gnomAD compares: Admixed American, 0.005%; no homozygotes.

Submission:

GeneDx
Classification: Likely benign. Last evaluated: 2017-05-17. Review status: criteria provided, single submitter. Criteria: GeneDx Variant Classification (06012015). Collection method: clinical testing. Allele origin: germline. Affected: yes.
Comment: This variant is considered likely benign or benign based on one or more of the following criteria: it is a conservative change, it occurs at a poorly conserved position in the protein, it is predicted to be benign by multiple in silico algorithms, and/or has population frequency not consistent with disease.